The following is an entry in ClinVar:

NM_031476.4(CRISPLD2):c.1301C>G (p.Ala434Gly)

Genes: CRISPLD2 (cysteine rich secretory protein LCCL domain containing 2; plus strand), LOC126862429 (CDK7 strongly-dependent group 2 enhancer GRCh37_chr16:84913207-84914406; plus strand). Cytogenetic location: 16q24.1.
Variant type: single nucleotide variant.
Coding change: c.1301C>G on transcript NM_031476.4 (MANE Select); coding-DNA position 1301, C replaced by G.
Protein change: p.Ala434Gly; replaces alanine 434 with glycine.
Molecular consequence: missense variant.
Genome position (GRCh38, 1-based): chr16:84,880,580, C>G. VCF-style: chr16-84880580-C-G. GRCh37 (hg19) VCF-style: chr16-84914186-C-G.
Other names: short protein forms A434G.
Identifiers: ClinVar variation 733927 (VCV000733927.6), dbSNP rs35711987, ClinGen allele CA8212065.
Genomic context (GRCh38, chr16:84,880,580, plus strand): 5'-CGGCACACTGCAAAGACGAACCTTCCTACTGGGCTCCGGTGTTTGGAACCAACATCTATG[C>G]AGATGTGAGTAGGATGCATTTTCAACAACTATCTCGCAAAGCCTGTTAAAGACCTCAACA-3'
Protein context (NP_113664.1, residues 424-444): WAPVFGTNIY[Ala434Gly]DTSSICKTAV

ClinVar aggregate classification (germline): Benign. Review status: criteria provided, multiple submitters, no conflicts (2 of 4 stars). 3 submissions from 3 submitters: Benign (2). 1 of the submissions does not count toward it. Last evaluated 2018-08-17.

Conditions:
CRISPLD2-related disorder. Also called: CRISPLD2-related condition.

Allele frequency attached by ClinVar (database versions not stated): ExAC 0.00129; 1000 Genomes Project 30x 0.00312; 1000 Genomes Project 0.00319; gnomAD 0.00392; TOPMed 0.00455; ESP Exome Variant Server 0.00631.
gnomAD v4.1: 1,201 of 1,612,224 alleles (0.074%); highest among the groups gnomAD compares: African/African-American, 1.4%; 3 homozygotes.

Submissions (3):

Labcorp Genetics (formerly Invitae), Labcorp
Classification: Benign. Last evaluated: 2018-08-17. Review status: criteria provided, single submitter. Criteria: Invitae Variant Classification Sherloc (09022015). Collection method: clinical testing. Allele origin: germline.

Breakthrough Genomics
Classification: Benign. Review status: criteria provided, single submitter. Criteria: ACMG Guidelines, 2015. Collection method: not provided. Allele origin: germline. Inheritance: Unknown mechanism. Affected: yes.

PreventionGenetics, part of Exact Sciences
Classification: Benign for CRISPLD2-related condition. Last evaluated: 2020-01-13. Review status: no assertion criteria provided. Collection method: clinical testing. Allele origin: germline. Not counted in ClinVar's aggregate classification.
Comment: This variant is classified as benign based on ACMG/AMP sequence variant interpretation guidelines (Richards et al. 2015 PMID: 25741868, with internal and published modifications).